The following is an entry in ClinVar:

ClinVar aggregate classification (germline): Uncertain significance. Review status: criteria provided, multiple submitters, no conflicts (2 of 4 stars). 2 submissions from 2 submitters: Uncertain significance (2). Last evaluated 2025-06-10.

Allele frequency attached by ClinVar (database versions not stated): gnomAD exomes below 0.00001 and 0.00001; gnomAD 0.00004; TOPMed 0.00006.
gnomAD v4.1: 14 of 1,613,972 alleles (0.00087%); highest among the groups gnomAD compares: African/African-American, 0.0093%; no homozygotes.

Submissions (2):

Labcorp Genetics (formerly Invitae), Labcorp
Classification: Uncertain significance. Last evaluated: 2025-06-10. Review status: criteria provided, single submitter. Criteria: Invitae Variant Classification Sherloc (09022015). Collection method: clinical testing. Allele origin: germline.
Comment: This sequence change replaces tyrosine, which is neutral and polar, with cysteine, which is neutral and slightly polar, at codon 381 of the A2ML1 protein (p.Tyr381Cys). This variant is present in population databases (no rsID available, gnomAD 0.008%). This variant has not been reported in the literature in individuals affected with A2ML1-related conditions. ClinVar contains an entry for this variant (Variation ID: 641661). An algorithm developed to predict the effect of missense changes on protein structure and function (PolyPhen-2) suggests that this variant is likely to be disruptive. In summary, the available evidence is currently insufficient to determine the role of this variant in disease. Therefore, it has been classified as a Variant of Uncertain Significance.

Ambry Genetics
Classification: Uncertain significance. Last evaluated: 2025-05-17. Review status: criteria provided, single submitter. Criteria: Ambry Variant Classification Scheme 2023. Collection method: clinical testing. Allele origin: germline.
Comment: The p.Y381C variant (also known as c.1142A>G), located in coding exon 11 of the A2ML1 gene, results from an A to G substitution at nucleotide position 1142. The tyrosine at codon 381 is replaced by cysteine, an amino acid with highly dissimilar properties. This amino acid position is conserved. In addition, this alteration is predicted to be tolerated by in silico analysis. Since supporting evidence is limited at this time, the clinical significance of this alteration remains unclear.

NM_144670.6(A2ML1):c.1142A>G (p.Tyr381Cys)

Gene: A2ML1 (alpha-2-macroglobulin like 1; plus strand). Cytogenetic location: 12p13.31.
Variant type: single nucleotide variant.
Coding change: c.1142A>G on transcript NM_144670.6 (MANE Select); coding-DNA position 1142, A replaced by G.
Protein change: p.Tyr381Cys; replaces tyrosine 381 with cysteine.
Molecular consequence: missense variant.
Genome position (GRCh38, 1-based): chr12:8,841,430, A>G. VCF-style: chr12-8841430-A-G. GRCh37 (hg19) VCF-style: chr12-8994026-A-G.
Other names: short protein forms Y381C.
Identifiers: ClinVar variation 641661 (VCV000641661.12), dbSNP rs867773372, ClinGen allele CA232675384.